The following is an entry in ClinVar:

NM_001368894.2(PAX6):c.1225+5G>T

Gene: PAX6 (paired box 6; minus strand). Cytogenetic location: 11p13.
Variant type: single nucleotide variant.
Coding change: c.1225+5G>T on transcript NM_001368894.2 (MANE Select); 5 bases into the intron after coding-DNA position 1225, G replaced by T.
Molecular consequence: intron variant.
Genome position (GRCh38, 1-based): chr11:31,790,705, C>A on the plus strand (G>T on the coding strand, the complement: PAX6 is on the minus strand). VCF-style: chr11-31790705-C-A. GRCh37 (hg19) VCF-style: chr11-31812253-C-A.
Other names: c.1183+5G>T (NM_001127612.3, NM_001368890.2, NM_001368888.2 and 6 more transcripts); c.874-686G>T (NM_001368921.2); c.1024+5G>T (NM_001368923.2, NM_001368926.2, NM_001368927.2 and 3 more transcripts); c.1225+5G>T (NM_001258462.3, NM_001310158.2, NM_001258463.2 and 3 more transcripts); c.1300+5G>T (NM_001368919.2, NM_001368918.2); c.1033-686G>T (NM_001368915.2, NM_001368917.2, NM_001368916.2); c.1075-686G>T (NM_001368914.2, NM_001368912.2, NM_001368913.2); c.1426+5G>T (NM_001368910.2); and 6 more.
Identifiers: ClinVar variation 2030794 (VCV002030794.4), dbSNP rs1592366898, ClinGen allele CA2580082909.
Genomic context (GRCh38, chr11:31,790,705, plus strand): 5'-TGTTTGGGTAAACTTCTAGTGAAGAGAGATCGCCTCTGTGCAGCCTGCAGAAAGCAGTGG[C>A]TCACCTGTTGAAGTGGTGCCCGAGGTGCCCATTGGCTGACTGTTCATGTGTGTCTGCATA-3'

ClinVar aggregate classification (germline): Likely pathogenic (1 of 4 stars; one submission).

Conditions:
Aniridia 1 (AN1). Identifiers: Orphanet 250923, MedGen C0344542, MONDO:0024507, OMIM 106210.
Irido-corneo-trabecular dysgenesis (ASGD5). Also called: ANTERIOR SEGMENT DYSGENESIS 5. Identifiers: Orphanet 708, MedGen C0344559, MONDO:0011414, OMIM 604229, HP:0000659.

Submission:

Labcorp Genetics (formerly Invitae), Labcorp
Classification: Likely pathogenic for Aniridia 1; Irido-corneo-trabecular dysgenesis. Last evaluated: 2022-09-16. Review status: criteria provided, single submitter. Criteria: Invitae Variant Classification Sherloc (09022015). Collection method: clinical testing. Allele origin: germline.
Comment: In summary, the currently available evidence indicates that the variant is pathogenic, but additional data are needed to prove that conclusively. Therefore, this variant has been classified as Likely Pathogenic. This variant disrupts the c.1183+5 nucleotide in the PAX6 gene. Other variant(s) that disrupt this nucleotide have been determined to be pathogenic (PMID: 10694925, 22509105). This suggests that this nucleotide is clinically significant, and that variants that disrupt this position are likely to be disease-causing. Variants that disrupt the consensus splice site are a relatively common cause of aberrant splicing (PMID: 17576681, 9536098). Algorithms developed to predict the effect of sequence changes on RNA splicing suggest that this variant may disrupt the consensus splice site. This variant has been observed in individual(s) with aniridia (Invitae). This variant is not present in population databases (gnomAD no frequency). This sequence change falls in intron 12 of the PAX6 gene. It does not directly change the encoded amino acid sequence of the PAX6 protein. It affects a nucleotide within the consensus splice site.

Literature cited by the submitters: PubMed 10694925; PubMed 22509105; PubMed 17576681; PubMed 9536098.